The following is an entry in ClinVar:

NM_005619.5(RTN2):c.136G>A (p.Glu46Lys)

Genes: OPA3-RTN2 (OPA3-RTN2 readthrough; minus strand), RTN2 (reticulon 2; minus strand). Cytogenetic location: 19q13.32.
Variant type: single nucleotide variant.
Coding change: c.136G>A on transcript NM_005619.5 (MANE Select); coding-DNA position 136, G replaced by A.
Protein change: p.Glu46Lys; replaces glutamic acid 46 with lysine.
Molecular consequence: missense variant.
Genome position (GRCh38, 1-based): chr19:45,494,949, C>T on the plus strand (G>A on the coding strand, the complement: RTN2 is on the minus strand). VCF-style: chr19-45494949-C-T. GRCh37 (hg19) VCF-style: chr19-45998207-C-T.
Other names: c.136G>A, p.Glu46Lys (NM_206900.3); short protein forms E46K.
Identifiers: ClinVar variation 3668255 (VCV003668255.2).
Genomic context (GRCh38, chr19:45,494,949, plus strand): 5'-AGGAGAAGGTCAGCTCCCGGGGGGTGCCCCAGTCCTGCGACGTGGTCTCCTCCTCGTCCT[C>T]CTCTGAGAATTCCCGGGCTGTGTGCAGCTCTCGAAAATCAGAGTCGTCGTTCCCTCCTGC-3'
Protein context (NP_005610.1, residues 36-56): ELHTAREFSE[Glu46Lys]DEEETTSQDW

ClinVar aggregate classification (germline): Uncertain significance (1 of 4 stars; one submission).

Conditions:
Spastic paraplegia. Identifiers: MedGen C0037772, HP:0001258.

Submission:

Labcorp Genetics (formerly Invitae), Labcorp
Classification: Uncertain significance for Spastic paraplegia. Last evaluated: 2024-04-24. Review status: criteria provided, single submitter. Criteria: Invitae Variant Classification Sherloc (09022015). Collection method: clinical testing. Allele origin: germline.
Comment: This sequence change replaces glutamic acid, which is acidic and polar, with lysine, which is basic and polar, at codon 46 of the RTN2 protein (p.Glu46Lys). This variant is not present in population databases (gnomAD no frequency). This variant has not been reported in the literature in individuals affected with RTN2-related conditions. An algorithm developed to predict the effect of missense changes on protein structure and function (PolyPhen-2) suggests that this variant is likely to be tolerated. In summary, the available evidence is currently insufficient to determine the role of this variant in disease. Therefore, it has been classified as a Variant of Uncertain Significance.